The following is an entry in ClinVar:

NM_000268.4(NF2):c.179G>A (p.Trp60Ter)

Gene: NF2 (NF2, moesin-ezrin-radixin like (MERLIN) tumor suppressor; plus strand). Cytogenetic location: 22q12.2.
Variant type: single nucleotide variant.
Coding change: c.179G>A on transcript NM_000268.4 (MANE Select); coding-DNA position 179, G replaced by A.
Protein change: p.Trp60Ter; replaces tryptophan 60 with a stop codon.
Molecular consequence: nonsense. On other transcripts: 5 prime UTR variant (2), intron variant (6).
Genome position (GRCh38, 1-based): chr22:29,636,815, G>A. VCF-style: chr22-29636815-G-A. GRCh37 (hg19) VCF-style: chr22-30032804-G-A.
Other names: c.65G>A, p.Trp22Ter (NM_001407053.1, NM_001407056.1); c.179G>A, p.Trp60Ter (NM_001407054.1, NM_001407057.1, NM_001407058.1 and 9 more transcripts); c.-462G>A (NM_001407065.1); c.-78G>A (NM_001407067.1); c.115-2275G>A (NM_181828.3, NM_001407055.1); c.115-5387G>A (NM_001407063.1, NM_181830.3, NM_001407064.1 and 1 more transcripts); short protein forms W22*, W60*.
Identifiers: ClinVar variation 2737026 (VCV002737026.3), dbSNP rs2146853282, ClinGen allele CA411152545.
Genomic context (GRCh38, chr22:29,636,815, plus strand): 5'-AGTGGAAAGGGAAGGACCTCTTTGATTTGGTGTGCCGGACTCTGGGGCTCCGAGAAACCT[G>A]GTTCTTTGGACTGCAGTACACAATCAAGGACACAGTGGCCTGGCTCAAAATGGACAAGAA-3'

ClinVar aggregate classification (germline): Pathogenic (1 of 4 stars; one submission).

Conditions:
Neurofibromatosis, type 2 (SWNV). Also called: SCHWANNOMATOSIS, VESTIBULAR; BILATERAL ACOUSTIC NEUROFIBROMATOSIS; NF2-Related Schwannomatosis. Identifiers: Orphanet 637, MedGen C0027832, MONDO:0007039, OMIM 101000. Disease mechanism: loss of function.

Submission:

Labcorp Genetics (formerly Invitae), Labcorp
Classification: Pathogenic for Neurofibromatosis, type 2. Last evaluated: 2023-05-17. Review status: criteria provided, single submitter. Criteria: Invitae Variant Classification Sherloc (09022015). Collection method: clinical testing. Allele origin: germline.
Comment: This variant is not present in population databases (gnomAD no frequency). This premature translational stop signal has been observed in individual(s) with schwannomas (PMID: 8012353). Algorithms developed to predict the effect of sequence changes on RNA splicing suggest that this variant may disrupt the consensus splice site. This sequence change creates a premature translational stop signal (p.Trp60*) in the NF2 gene. It is expected to result in an absent or disrupted protein product. Loss-of-function variants in NF2 are known to be pathogenic (PMID: 9643284, 16983642). For these reasons, this variant has been classified as Pathogenic.

Literature cited by the submitters: PubMed 8012353; PubMed 9643284; PubMed 16983642.